The following is an entry in ClinVar:

ClinVar aggregate classification (germline): Likely pathogenic (1 of 4 stars; one submission).

Submission:

Labcorp Genetics (formerly Invitae), Labcorp
Classification: Likely pathogenic. Last evaluated: 2022-12-08. Review status: criteria provided, single submitter. Criteria: Invitae Variant Classification Sherloc (09022015). Collection method: clinical testing. Allele origin: germline.
Comment: In summary, the currently available evidence indicates that the variant is pathogenic, but additional data are needed to prove that conclusively. Therefore, this variant has been classified as Likely Pathogenic. Algorithms developed to predict the effect of sequence changes on RNA splicing suggest that this variant may disrupt the consensus splice site. ClinVar contains an entry for this variant (Variation ID: 959816). Disruption of this splice site has been observed in individual(s) with retinitis pigmentosa (Invitae). This variant is not present in population databases (gnomAD no frequency). This sequence change affects a donor splice site in intron 3 of the IMPG2 gene. It is expected to disrupt RNA splicing. Variants that disrupt the donor or acceptor splice site typically lead to a loss of protein function (PMID: 16199547), and loss-of-function variants in IMPG2 are known to be pathogenic (PMID: 20673862).

Literature cited by the submitters: PubMed 16199547; PubMed 20673862.

NM_016247.4(IMPG2):c.501+1G>A

Gene: IMPG2 (interphotoreceptor matrix proteoglycan 2; minus strand). Cytogenetic location: 3q12.3.
Variant type: single nucleotide variant.
Coding change: c.501+1G>A on transcript NM_016247.4 (MANE Select); the canonical splice donor site of the intron after coding-DNA position 501, G replaced by A.
Molecular consequence: splice donor variant.
Genome position (GRCh38, 1-based): chr3:101,304,145, C>T on the plus strand (G>A on the coding strand, the complement: IMPG2 is on the minus strand). VCF-style: chr3-101304145-C-T. GRCh37 (hg19) VCF-style: chr3-101022989-C-T.
Identifiers: ClinVar variation 959816 (VCV000959816.8), dbSNP rs1707165087, ClinGen allele CA353850634.